The following is an entry in ClinVar:

NM_014874.4(MFN2):c.248C>G (p.Ser83Cys)

Gene: MFN2 (mitofusin 2; plus strand). Cytogenetic location: 1p36.22.
Variant type: single nucleotide variant.
Coding change: c.248C>G on transcript NM_014874.4 (MANE Select); coding-DNA position 248, C replaced by G.
Protein change: p.Ser83Cys; replaces serine 83 with cysteine.
Molecular consequence: missense variant.
Genome position (GRCh38, 1-based): chr1:11,992,627, C>G. VCF-style: chr1-11992627-C-G. GRCh37 (hg19) VCF-style: chr1-12052684-C-G.
Other names: c.248C>G, p.Ser83Cys (NM_001127660.2); short protein forms S83C.
Identifiers: ClinVar variation 949776 (VCV000949776.14), dbSNP rs372451582, ClinGen allele CA18038726.

ClinVar aggregate classification (germline): Uncertain significance. Review status: criteria provided, multiple submitters, no conflicts (2 of 4 stars). 3 submissions from 3 submitters: Uncertain significance (3). Last evaluated 2025-08-24.

Conditions:
Inborn genetic diseases. Identifiers: MedGen C0950123, MeSH D030342.
Charcot-Marie-Tooth disease type 2. Also called: Charcot-Marie-Tooth type 2. Identifiers: Orphanet 64746, MedGen C0270914, MONDO:0018993.

Allele frequency attached by ClinVar (database versions not stated): ESP Exome Variant Server 0.00008; gnomAD exomes 0.00001 and below 0.00001; TOPMed 0.00001.

Submissions (3):

Ambry Genetics
Classification: Uncertain significance for Inborn genetic diseases. Last evaluated: 2025-08-24. Review status: criteria provided, single submitter. Criteria: Ambry Variant Classification Scheme 2023. Collection method: clinical testing. Allele origin: germline.

Labcorp Genetics (formerly Invitae), Labcorp
Classification: Uncertain significance for Charcot-Marie-Tooth disease type 2. Last evaluated: 2024-08-14. Review status: criteria provided, single submitter. Criteria: Invitae Variant Classification Sherloc (09022015). Collection method: clinical testing. Allele origin: germline.
Comment: This sequence change replaces serine, which is neutral and polar, with cysteine, which is neutral and slightly polar, at codon 83 of the MFN2 protein (p.Ser83Cys). This variant is present in population databases (rs372451582, gnomAD 0.003%). This variant has not been reported in the literature in individuals affected with MFN2-related conditions. ClinVar contains an entry for this variant (Variation ID: 949776). Invitae Evidence Modeling of protein sequence and biophysical properties (such as structural, functional, and spatial information, amino acid conservation, physicochemical variation, residue mobility, and thermodynamic stability) has been performed for this missense variant. However, the output from this modeling did not meet the statistical confidence thresholds required to predict the impact of this variant on MFN2 protein function. In summary, the available evidence is currently insufficient to determine the role of this variant in disease. Therefore, it has been classified as a Variant of Uncertain Significance.

GeneDx
Classification: Uncertain significance. Last evaluated: 2022-07-18. Review status: criteria provided, single submitter. Criteria: GeneDx Variant Classification Process June 2021. Collection method: clinical testing. Allele origin: germline. Affected: yes.
Comment: In silico analysis supports that this missense variant has a deleterious effect on protein structure/function; Has not been previously published as pathogenic or benign to our knowledge